The following is an entry in ClinVar:

NM_004655.4(AXIN2):c.109C>T (p.Gln37Ter)

Gene: AXIN2 (axin 2; minus strand). Cytogenetic location: 17q24.1.
Variant type: single nucleotide variant.
Coding change: c.109C>T on transcript NM_004655.4 (MANE Select); coding-DNA position 109, C replaced by T.
Protein change: p.Gln37Ter; replaces glutamine 37 with a stop codon.
Molecular consequence: nonsense.
Genome position (GRCh38, 1-based): chr17:65,558,512, G>A on the plus strand (C>T on the coding strand, the complement: AXIN2 is on the minus strand). VCF-style: chr17-65558512-G-A. GRCh37 (hg19) VCF-style: chr17-63554630-G-A.
Other names: c.109C>T (LRG_296t1); c.109C>T, p.Gln37Ter (NM_001363813.1); short protein forms Q37*.
Identifiers: ClinVar variation 449903 (VCV000449903.4), dbSNP rs1555583747, ClinGen allele CA400682162.

ClinVar aggregate classification (germline): Conflicting classifications of pathogenicity. Review status: criteria provided, conflicting classifications (1 of 4 stars). 2 submissions from 2 submitters: Likely pathogenic (1); Uncertain significance (1). Last evaluated 2017-04-03.

Conditions:
Oligodontia-cancer predisposition syndrome. Also called: TOOTH AGENESIS-COLORECTAL CANCER SYNDROME. Identifiers: Orphanet 300576, MedGen C1837750, MONDO:0012075, OMIM 608615. Disease mechanism: loss of function.
Colorectal cancer. Also called: Colorectal cancer, somatic; Malignant Colorectal Neoplasm. Identifiers: MedGen C0346629, MONDO:0005575, OMIM 114500.

Submissions (2):

GeneDx
Classification: Uncertain significance. Last evaluated: 2017-04-03. Review status: criteria provided, single submitter. Criteria: GeneDx Variant Classification (06012015). Collection method: clinical testing. Allele origin: germline. Affected: yes.
Comment: This variant is denoted AXIN2 c.109C>T at the cDNA level and p.Gln37Ter (Q37X) at the protein level. The substitution creates a nonsense variant, which changes a Glutamine to a premature stop codon (CAG>TAG), and is predicted to cause loss of normal protein function through either protein truncation or nonsense-mediated mRNA decay. However, conflicting evidence is present regarding the loss-of-function disease mechanism in AXIN2; particularly, that it may be context dependent (Yochum 2012, Mazzoni 2015). This variant has not, to our knowledge, been published in the literature as a germline variant; however it has been reported as a somatic variant in a colorectal tumor (Sanz-Pamplona 2015). Based on currently available information, we consider AXIN2 Gln37Ter to be a variant of uncertain significance.

Juno Genomics, Hangzhou Juno Genomics, Inc
Classification: Likely pathogenic for Colorectal cancer; Oligodontia-cancer predisposition syndrome. Review status: criteria provided, single submitter. Criteria: ACMG Guidelines, 2015. Collection method: clinical testing. Allele origin: germline.
Comment: Absent from controls (or at extremely low frequency if recessive) in Genome Aggregation Database.;Null variant in a gene where loss of function (LOF) is a known mechanism of disease.